The following is an entry in ClinVar:

ClinVar aggregate classification (germline): Uncertain significance. Review status: criteria provided, multiple submitters, no conflicts (2 of 4 stars). 2 submissions from 2 submitters: Uncertain significance (2). Last evaluated 2025-06-18.

Allele frequency attached by ClinVar (database versions not stated): gnomAD exomes below 0.00001; ExAC 0.00002.
gnomAD v4.1: 2 of 1,614,110 alleles (0.00012%); highest among the groups gnomAD compares: East Asian, 0.0022%; no homozygotes.

Submissions (2):

Ambry Genetics
Classification: Uncertain significance. Last evaluated: 2025-06-18. Review status: criteria provided, single submitter. Criteria: Ambry Variant Classification Scheme 2023. Collection method: clinical testing. Allele origin: germline.

Labcorp Genetics (formerly Invitae), Labcorp
Classification: Uncertain significance. Last evaluated: 2023-04-07. Review status: criteria provided, single submitter. Criteria: Invitae Variant Classification Sherloc (09022015). Collection method: clinical testing. Allele origin: germline.
Comment: This variant has not been reported in the literature in individuals affected with ZNF143-related conditions. An algorithm developed to predict the effect of missense changes on protein structure and function (PolyPhen-2) suggests that this variant is likely to be tolerated. In summary, the available evidence is currently insufficient to determine the role of this variant in disease. Therefore, it has been classified as a Variant of Uncertain Significance. This sequence change replaces threonine, which is neutral and polar, with isoleucine, which is neutral and non-polar, at codon 141 of the ZNF143 protein (p.Thr141Ile). This variant is present in population databases (rs777301290, gnomAD 0.02%).

NM_003442.6(ZNF143):c.422C>T (p.Thr141Ile)

Gene: ZNF143 (zinc finger protein 143; plus strand). Cytogenetic location: 11p15.4.
Variant type: single nucleotide variant.
Coding change: c.422C>T on transcript NM_003442.6 (MANE Select); coding-DNA position 422, C replaced by T.
Protein change: p.Thr141Ile; replaces threonine 141 with isoleucine.
Molecular consequence: missense variant.
Genome position (GRCh38, 1-based): chr11:9,478,438, C>T. VCF-style: chr11-9478438-C-T. GRCh37 (hg19) VCF-style: chr11-9499985-C-T.
Other names: c.419C>T, p.Thr140Ile (NM_001282656.2); c.329C>T, p.Thr110Ile (NM_001282657.2); c.422C>T (NM_003442.5); short protein forms T140I, T110I, T141I.
Identifiers: ClinVar variation 3009433 (VCV003009433.4), dbSNP rs777301290, ClinGen allele CA5879354.